The following is an entry in ClinVar:

ClinVar aggregate classification (germline): Uncertain significance. Review status: criteria provided, multiple submitters, no conflicts (2 of 4 stars). 3 submissions from 3 submitters: Uncertain significance (3). Last evaluated 2026-06-04.

Conditions:
Schaaf-Yang syndrome (SHFYNG). Also called: Arthrogryposis, distal, with hypopituitarism, intellectual disability, and facial anomalies; MAGEL2-related Prader-Willi-like syndrome. Identifiers: Orphanet 398069, MedGen C5575066, MONDO:0014243, OMIM 615547.
MAGEL2-related disorder. Also called: MAGEL2-related condition.

Allele frequency attached by ClinVar (database versions not stated): gnomAD exomes 0.00001; gnomAD 0.00002; TOPMed 0.00002.
gnomAD v4.1: 13 of 1,478,098 alleles (0.00088%); highest among the groups gnomAD compares: Non-Finnish European, 0.0011%; no homozygotes.

Submissions (3):

PreventionGenetics, part of Exact Sciences
Classification: Uncertain significance for MAGEL2-related condition. Last evaluated: 2026-06-04. Review status: criteria provided, single submitter. Criteria: ACMG Guidelines, 2015. Collection method: clinical testing. Allele origin: germline.
Comment: The MAGEL2 c.1112C>T variant is predicted to result in the amino acid substitution p.Thr371Ile. To our knowledge, this variant has not been reported in the literature. This variant is reported in 0.0028% of alleles in individuals of European (Non-Finnish) descent in gnomAD. At this time, the clinical significance of this variant is uncertain due to the absence of conclusive functional and genetic evidence.

Labcorp Genetics (formerly Invitae), Labcorp
Classification: Uncertain significance. Last evaluated: 2023-07-18. Review status: criteria provided, single submitter. Criteria: Invitae Variant Classification Sherloc (09022015). Collection method: clinical testing. Allele origin: germline.
Comment: This sequence change replaces threonine, which is neutral and polar, with isoleucine, which is neutral and non-polar, at codon 371 of the MAGEL2 protein (p.Thr371Ile). This variant is present in population databases (no rsID available, gnomAD 0.003%). This variant has not been reported in the literature in individuals affected with MAGEL2-related conditions. ClinVar contains an entry for this variant (Variation ID: 2433617). Experimental studies and prediction algorithms are not available or were not evaluated, and the functional significance of this variant is currently unknown. In summary, the available evidence is currently insufficient to determine the role of this variant in disease. Therefore, it has been classified as a Variant of Uncertain Significance.

Revvity Omics, Revvity
Classification: Uncertain significance for Schaaf-Yang syndrome. Last evaluated: 2020-10-01. Review status: criteria provided, single submitter. Criteria: ACMG Guidelines, 2015. Collection method: clinical testing. Allele origin: germline.

NM_019066.5(MAGEL2):c.1112C>T (p.Thr371Ile)

Gene: MAGEL2 (MAGE family member L2; minus strand). Cytogenetic location: 15q11.2.
Variant type: single nucleotide variant.
Coding change: c.1112C>T on transcript NM_019066.5 (MANE Select); coding-DNA position 1112, C replaced by T.
Protein change: p.Thr371Ile; replaces threonine 371 with isoleucine.
Molecular consequence: missense variant.
Genome position (GRCh38, 1-based): chr15:23,646,631, G>A on the plus strand (C>T on the coding strand, the complement: MAGEL2 is on the minus strand). VCF-style: chr15-23646631-G-A. GRCh37 (hg19) VCF-style: chr15-23891778-G-A.
Other names: short protein forms T371I.
Identifiers: ClinVar variation 2433617 (VCV002433617.7), dbSNP rs1314172016, ClinGen allele CA391335150.